The following is an entry in ClinVar:

ClinVar aggregate classification (germline): Benign/Likely benign. Review status: criteria provided, multiple submitters, no conflicts (2 of 4 stars). 3 submissions from 3 submitters: Benign (1); Likely benign (2). Last evaluated 2025-02-24.

Conditions:
Hereditary cancer-predisposing syndrome. Also called: Neoplastic Syndromes, Hereditary; Tumor predisposition; Hereditary Cancer Syndrome; Hereditary neoplastic syndrome. Identifiers: Orphanet 140162, MedGen C0027672, MeSH D009386, MONDO:0015356.
Breast-ovarian cancer, familial, susceptibility to, 4. Identifiers: Orphanet 145, MedGen C3280345, MONDO:0013669, OMIM 614291.

Allele frequency attached by ClinVar (database versions not stated): gnomAD exomes below 0.00001; TOPMed below 0.00001.

Submissions (3):

Myriad Genetics, Inc.
Classification: Benign for Breast-ovarian cancer, familial, susceptibility to, 4. Last evaluated: 2025-02-24. Review status: criteria provided, single submitter. Criteria: Myriad Autosomal Dominant, Autosomal Recessive and X-Linked Classification Criteria (2023). Collection method: clinical testing. Allele origin: unknown.
Comment: This variant is considered benign. This variant is a silent/synonymous amino acid change and it is not expected to impact splicing.

Labcorp Genetics (formerly Invitae), Labcorp
Classification: Likely benign for Breast-ovarian cancer, familial, susceptibility to, 4. Last evaluated: 2024-10-10. Review status: criteria provided, single submitter. Criteria: Invitae Variant Classification Sherloc (09022015). Collection method: clinical testing. Allele origin: germline.

Ambry Genetics
Classification: Likely benign for Hereditary cancer-predisposing syndrome. Last evaluated: 2016-07-15. Review status: criteria provided, single submitter. Criteria: Ambry Variant Classification Scheme 2023. Collection method: clinical testing. Allele origin: germline.

NM_002878.4(RAD51D):c.543G>A (p.Val181=)

Genes: RAD51L3-RFFL (RAD51L3-RFFL readthrough; minus strand), RAD51D (RAD51 paralog D; minus strand). Cytogenetic location: 17q12.
Variant type: single nucleotide variant.
Coding change: c.543G>A on transcript NM_002878.4 (MANE Select); coding-DNA position 543, G replaced by A.
Protein change: p.Val181=; no amino-acid change (valine 181 retained).
Molecular consequence: synonymous variant. On other transcripts: non-coding transcript variant (3).
Genome position (GRCh38, 1-based): chr17:35,106,419, C>T on the plus strand (G>A on the coding strand, the complement: RAD51D is on the minus strand). VCF-style: chr17-35106419-C-T. GRCh37 (hg19) VCF-style: chr17-33433438-C-T.
Other names: c.603G>A, p.Val201= (NM_001142571.2); c.207G>A, p.Val69= (NM_133629.3).
Identifiers: ClinVar variation 482195 (VCV000482195.13), dbSNP rs1555568135, ClinGen allele CA499731583.